The following is an entry in ClinVar:

NM_001042492.3(NF1):c.82C>T (p.Gln28Ter)

Gene: NF1 (neurofibromin 1; plus strand). Cytogenetic location: 17q11.2.
Variant type: single nucleotide variant.
Coding change: c.82C>T on transcript NM_001042492.3 (MANE Select); coding-DNA position 82, C replaced by T.
Protein change: p.Gln28Ter; replaces glutamine 28 with a stop codon.
Molecular consequence: nonsense.
Genome position (GRCh38, 1-based): chr17:31,156,004, C>T. VCF-style: chr17-31156004-C-T. GRCh37 (hg19) VCF-style: chr17-29483022-C-T.
Other names: c.82C>T, p.Gln28Ter (NM_000267.4, NM_001128147.3); short protein forms Q28*.
Identifiers: ClinVar variation 429015 (VCV000429015.10), dbSNP rs771764281, ClinGen allele CA398988142.

ClinVar aggregate classification (germline): Pathogenic. Review status: criteria provided, multiple submitters, no conflicts (2 of 4 stars). 4 submissions from 4 submitters: Pathogenic (4). Last evaluated 2025-08-13.

Conditions:
Hereditary cancer-predisposing syndrome. Also called: Tumor predisposition; Hereditary Cancer Syndrome; Hereditary neoplastic syndrome; Neoplastic Syndromes, Hereditary. Identifiers: Orphanet 140162, MedGen C0027672, MeSH D009386, MONDO:0015356.
NF1-related disorder. Also called: NF1-related condition. Identifiers: MedGen CN379171.
Neurofibromatosis, type 1 (NF1). Also called: Neurofibromatosis, type I; NEUROFIBROMATOSIS, TYPE I, SOMATIC; VON RECKLINGHAUSEN DISEASE; Peripheral type neurofibromatosis. Identifiers: Orphanet 636, MedGen C0027831, MONDO:0018975, OMIM 162200. Disease mechanism: loss of function.

Submissions (4):

Labcorp Genetics (formerly Invitae), Labcorp
Classification: Pathogenic for Neurofibromatosis, type 1. Last evaluated: 2025-08-13. Review status: criteria provided, single submitter. Criteria: Invitae Variant Classification Sherloc (09022015). Collection method: clinical testing. Allele origin: germline.
Comment: This sequence change creates a premature translational stop signal (p.Gln28*) in the NF1 gene. It is expected to result in an absent or disrupted protein product. Loss-of-function variants in NF1 are known to be pathogenic (PMID: 10712197, 23913538). This variant is not present in population databases (gnomAD no frequency). This premature translational stop signal has been observed in individual(s) with neurofibromatosis type 1 (PMID: 18041031). It has also been observed to segregate with disease in related individuals. Invitae Evidence Modeling of clinical and family history, age, sex, and reported ancestry of multiple individuals with this NF1 variant has been performed. This variant is expected to be pathogenic with a positive predictive value of at least 99%. This is a validated machine learning model that incorporates the clinical features of 1,785,918 individuals referred to our laboratory for NF1 testing. ClinVar contains an entry for this variant (Variation ID: 429015). For these reasons, this variant has been classified as Pathogenic.

Blueprint Genetics
Classification: Pathogenic for NF1-related disorders. Last evaluated: 2023-03-28. Review status: criteria provided, single submitter. Criteria: ACMG Guidelines, 2015. Collection method: clinical testing. Allele origin: germline. Affected: yes. Observed: 1 variant allele.

Genome-Nilou Lab
Classification: Pathogenic for Neurofibromatosis, type 1. Last evaluated: 2022-03-15. Review status: criteria provided, single submitter. Criteria: ACMG Guidelines, 2015. Collection method: clinical testing. Allele origin: germline. Affected: no.

Ambry Genetics
Classification: Pathogenic for Hereditary cancer-predisposing syndrome. Last evaluated: 2015-01-11. Review status: criteria provided, single submitter. Criteria: Ambry Autosomal Dominant and X-Linked criteria (10/2015). Collection method: clinical testing. Allele origin: germline. Observed: 1 variant allele.
Comment: The p.Q28* pathogenic mutation (also known as c.82C>T) located in coding exon 2 of the NF1 gene, results from a C to T substitution at nucleotide position 82. This changes the amino acid from a glutamine to a stop codon within coding exon 2. This mutation was first seen in three related individuals who all met NIH diagnostic criteria for neurofibromitosis (NF1) (Brinckmann A, et al.Electrophoresis 2007;28(23):4295-301).In addition to the clinical datapresented in the literature, since premature stop codons are typically deleterious in nature, this alteration is interpreted as a disease-causing mutation (ACMG Recommendations for Standards for Interpretation and Reporting of Sequence Variations. Revision 2007. Genet Med. 2008;10:294).

Literature cited by the submitters: PubMed 10712197 (cited by Labcorp Genetics (formerly Invitae), Labcorp); PubMed 23913538 (cited by Labcorp Genetics (formerly Invitae), Labcorp); PubMed 18041031 (cited by Labcorp Genetics (formerly Invitae), Labcorp and Ambry Genetics).